The following is an entry in ClinVar:

ClinVar aggregate classification (germline): Uncertain significance (1 of 4 stars; one submission).

Conditions:
Familial adenomatous polyposis 1 (FAP1). Also called: FAMILIAL ADENOMATOUS POLYPOSIS 1, ATTENUATED; POLYPOSIS, ADENOMATOUS INTESTINAL. Identifiers: MedGen C2713442, MONDO:0021056, OMIM 175100. Disease mechanism: loss of function.

gnomAD v4.1: 1 of 1,613,918 alleles (0.000062%); highest among the groups gnomAD compares: South Asian, 0.0011%; no homozygotes.

Submission:

Labcorp Genetics (formerly Invitae), Labcorp
Classification: Uncertain significance for Familial adenomatous polyposis 1. Last evaluated: 2024-10-15. Review status: criteria provided, single submitter. Criteria: Invitae Variant Classification Sherloc (09022015). Collection method: clinical testing. Allele origin: germline.
Comment: This sequence change replaces histidine, which is basic and polar, with glutamine, which is neutral and polar, at codon 2090 of the APC protein (p.His2090Gln). This variant is not present in population databases (gnomAD no frequency). This variant has not been reported in the literature in individuals affected with APC-related conditions. Invitae Evidence Modeling of protein sequence and biophysical properties (such as structural, functional, and spatial information, amino acid conservation, physicochemical variation, residue mobility, and thermodynamic stability) indicates that this missense variant is not expected to disrupt APC protein function with a negative predictive value of 95%. In summary, the available evidence is currently insufficient to determine the role of this variant in disease. Therefore, it has been classified as a Variant of Uncertain Significance.

NM_000038.6(APC):c.6270T>G (p.His2090Gln)

Gene: APC (APC regulator of Wnt signaling pathway; plus strand). Cytogenetic location: 5q22.2.
Variant type: single nucleotide variant.
Coding change: c.6270T>G on transcript NM_000038.6 (MANE Select); coding-DNA position 6270, T replaced by G.
Protein change: p.His2090Gln; replaces histidine 2090 with glutamine.
Molecular consequence: missense variant. On other transcripts: non-coding transcript variant (2).
Genome position (GRCh38, 1-based): chr5:112,841,864, T>G. VCF-style: chr5-112841864-T-G. GRCh37 (hg19) VCF-style: chr5-112177561-T-G.
Other names: c.6270T>G, p.His2090Gln (NM_001127510.3, NM_001354895.2, NM_001407450.1); c.6216T>G, p.His2072Gln (NM_001127511.3); c.6324T>G, p.His2108Gln (NM_001354896.2, NM_001407447.1, NM_001407448.1 and 1 more transcripts); c.6300T>G, p.His2100Gln (NM_001354897.2); c.6195T>G, p.His2065Gln (NM_001354898.2); c.6186T>G, p.His2062Gln (NM_001354899.2); c.6147T>G, p.His2049Gln (NM_001354900.2); c.6093T>G, p.His2031Gln (NM_001354901.2, NM_001407453.1); and 11 more; short protein forms H1807Q, H1961Q, H1989Q, H1999Q, H2108Q, H2118Q, H2031Q, H2065Q.
Identifiers: ClinVar variation 3635498 (VCV003635498.2).